The following is an entry in ClinVar:

ClinVar aggregate classification (germline): Uncertain significance (1 of 4 stars; one submission).

Allele frequency attached by ClinVar (database versions not stated): TOPMed 0.00001; gnomAD exomes below 0.00001; ExAC 0.00001.
gnomAD v4.1: 2 of 1,613,896 alleles (0.00012%); highest among the groups gnomAD compares: Admixed American, 0.0017%; no homozygotes.

Submission:

Labcorp Genetics (formerly Invitae), Labcorp
Classification: Uncertain significance. Last evaluated: 2022-09-08. Review status: criteria provided, single submitter. Criteria: Invitae Variant Classification Sherloc (09022015). Collection method: clinical testing. Allele origin: germline.
Comment: This sequence change replaces glutamine, which is neutral and polar, with arginine, which is basic and polar, at codon 54 of the MOCS2A protein (p.Gln54Arg). This variant is present in population databases (rs774169356, gnomAD 0.003%). This variant has not been reported in the literature in individuals affected with MOCS2A-related conditions. ClinVar contains an entry for this variant (Variation ID: 1426186). Algorithms developed to predict the effect of missense changes on protein structure and function (SIFT, PolyPhen-2, Align-GVGD) all suggest that this variant is likely to be tolerated. In summary, the available evidence is currently insufficient to determine the role of this variant in disease. Therefore, it has been classified as a Variant of Uncertain Significance.

NM_176806.4(MOCS2):c.161A>G (p.Gln54Arg)

Gene: MOCS2 (molybdenum cofactor synthesis 2; minus strand). Cytogenetic location: 5q11.2.
Variant type: single nucleotide variant.
Coding change: c.161A>G on transcript NM_176806.4 (MANE Plus Clinical); coding-DNA position 161, A replaced by G.
Protein change: p.Gln54Arg; replaces glutamine 54 with arginine.
Molecular consequence: missense variant. On other transcripts: 5 prime UTR variant (1).
Genome position (GRCh38, 1-based): chr5:53,107,201, T>C on the plus strand (A>G on the coding strand, the complement: MOCS2 is on the minus strand). VCF-style: chr5-53107201-T-C. GRCh37 (hg19) VCF-style: chr5-52403031-T-C.
Other names: c.-27A>G (NM_004531.5); short protein forms Q54R.
Identifiers: ClinVar variation 1426186 (VCV001426186.3), dbSNP rs774169356, ClinGen allele CA3263779.
Genomic context (GRCh38, chr5:53,107,201, plus strand): 5'-TGAAGCACGAGGAGCTGATCTCCAAGCTCGACATATTCTTGACGAACAGCAAATATTATC[T>C]GATTTCTAACATCAGCCAATCTAAAGGGGAAAAAATATGACTCAAAGTATCAACGCTATG-3'
Protein context (NP_789776.1, residues 44-64): RHPGLADVRN[Gln54Arg]IIFAVRQEYV